The following is an entry in ClinVar:

NM_201384.3(PLEC):c.11065A>G (p.Thr3689Ala)

Gene: PLEC (plectin; minus strand). Cytogenetic location: 8q24.3.
Variant type: single nucleotide variant.
Coding change: c.11065A>G on transcript NM_201384.3 (MANE Select); coding-DNA position 11065, A replaced by G.
Protein change: p.Thr3689Ala; replaces threonine 3689 with alanine.
Molecular consequence: missense variant.
Genome position (GRCh38, 1-based): chr8:143,918,756, T>C on the plus strand (A>G on the coding strand, the complement: PLEC is on the minus strand). VCF-style: chr8-143918756-T-C. GRCh37 (hg19) VCF-style: chr8-144992924-T-C.
Other names: c.11146A>G, p.Thr3716Ala (NM_000445.5); c.7765A>G, p.Thr2589Ala (NM_001410941.1); c.11023A>G, p.Thr3675Ala (NM_201378.4); c.10999A>G, p.Thr3667Ala (NM_201379.3); c.11476A>G, p.Thr3826Ala (NM_201380.4); c.10969A>G, p.Thr3657Ala (NM_201381.3); c.11065A>G, p.Thr3689Ala (NM_201382.4); c.11077A>G, p.Thr3693Ala (NM_201383.3); short protein forms T3657A, T3716A, T3826A, T2589A, T3689A, T3693A, T3667A, T3675A.
Identifiers: ClinVar variation 4792453 (VCV004792453.1).

ClinVar aggregate classification (germline): Uncertain significance (1 of 4 stars; one submission).

Conditions:
Epidermolysis bullosa simplex with nail dystrophy (EBS5D). Identifiers: MedGen C4225309, MONDO:0014661, OMIM 616487.
Epidermolysis bullosa simplex, Ogna type (EBS5A). Also called: EPIDERMOLYSIS BULLOSA SIMPLEX 5A, OGNA TYPE; Pidermolysis bullosa simplex 5A, Ogna type. Identifiers: Orphanet 79401, MedGen C0432317, MONDO:0007555, OMIM 131950.
Autosomal recessive limb-girdle muscular dystrophy type 2Q (LGMDR17). Also called: MUSCULAR DYSTROPHY, LIMB-GIRDLE, AUTOSOMAL RECESSIVE 17. Identifiers: Orphanet 254361, MedGen C3150989, MONDO:0013390, OMIM 613723.
Epidermolysis bullosa simplex 5B, with muscular dystrophy (EBS5B). Also called: EPIDERMOLYSIS BULLOSA SIMPLEX AND LIMB-GIRDLE MUSCULAR DYSTROPHY; Epidermolysis bullosa simplex with muscular dystrophy. Identifiers: Orphanet 257, MedGen C2931072, MONDO:0009181, OMIM 226670.
Epidermolysis bullosa simplex 5C, with pyloric atresia (EBS5C). Also called: PLEC-Related Epidermolysis Bullosa with Pyloric Atresia; Epidermolysis bullosa simplex with pyloric atresia; PLEC1-Related Epidermolysis Bullosa with Pyloric Atresia. Identifiers: Orphanet 158684, MedGen C2677349, MONDO:0012807, OMIM 612138.

Submission:

Labcorp Genetics (formerly Invitae), Labcorp
Classification: Uncertain significance for Autosomal recessive limb-girdle muscular dystrophy type 2Q; Epidermolysis bullosa simplex, Ogna type; Epidermolysis bullosa simplex with nail dystrophy; Epidermolysis bullosa simplex 5C, with pyloric atresia; Epidermolysis bullosa simplex 5B, with muscular dystrophy. Last evaluated: 2025-10-29. Review status: criteria provided, single submitter. Criteria: Invitae Variant Classification Sherloc (09022015). Collection method: clinical testing. Allele origin: germline.
Comment: This sequence change replaces threonine, which is neutral and polar, with alanine, which is neutral and non-polar, at codon 3716 of the PLEC protein (p.Thr3716Ala). This variant is not present in population databases (gnomAD no frequency). This variant has not been reported in the literature in individuals affected with PLEC-related conditions. An algorithm developed to predict the effect of missense changes on protein structure and function (PolyPhen-2) suggests that this variant is likely to be tolerated. In summary, the available evidence is currently insufficient to determine the role of this variant in disease. Therefore, it has been classified as a Variant of Uncertain Significance.